The following is an entry in ClinVar:

ClinVar aggregate classification (germline): Uncertain significance (1 of 4 stars; one submission).

Conditions:
Hypertrophic cardiomyopathy 1 (CMH1). Also called: MYH7-Related Familial Hypertrophic Cardiomyopathy; Familial hypertrophic cardiomyopathy 1. Identifiers: MedGen C3495498, MONDO:0008647, OMIM 192600.

Allele frequency attached by ClinVar (database versions not stated): gnomAD 0.00001; ExAC 0.00002.
gnomAD v4.1: 13 of 1,613,088 alleles (0.00081%); highest among the groups gnomAD compares: South Asian, 0.0077%; no homozygotes.

Submission:

Labcorp Genetics (formerly Invitae), Labcorp
Classification: Uncertain significance for Hypertrophic cardiomyopathy 1. Last evaluated: 2021-08-07. Review status: criteria provided, single submitter. Criteria: Invitae Variant Classification Sherloc (09022015). Collection method: clinical testing. Allele origin: germline.
Comment: This variant is present in population databases (rs768716432, ExAC 0.01%). This sequence change replaces glutamic acid with lysine at codon 239 of the MYLK2 protein (p.Glu239Lys). The glutamic acid residue is moderately conserved and there is a small physicochemical difference between glutamic acid and lysine. This variant has not been reported in the literature in individuals affected with MYLK2-related conditions. Algorithms developed to predict the effect of missense changes on protein structure and function are either unavailable or do not agree on the potential impact of this missense change (SIFT: "Tolerated"; PolyPhen-2: "Possibly Damaging"; Align-GVGD: "Class C0"). In summary, the available evidence is currently insufficient to determine the role of this variant in disease. Therefore, it has been classified as a Variant of Uncertain Significance.

NM_033118.4(MYLK2):c.715G>A (p.Glu239Lys)

Gene: MYLK2 (myosin light chain kinase 2; plus strand). Cytogenetic location: 20q11.21.
Variant type: single nucleotide variant.
Coding change: c.715G>A on transcript NM_033118.4 (MANE Select); coding-DNA position 715, G replaced by A.
Protein change: p.Glu239Lys; replaces glutamic acid 239 with lysine.
Molecular consequence: missense variant.
Genome position (GRCh38, 1-based): chr20:31,821,680, G>A. VCF-style: chr20-31821680-G-A. GRCh37 (hg19) VCF-style: chr20-30409483-G-A.
Other names: short protein forms E239K.
Identifiers: ClinVar variation 1393506 (VCV001393506.8), dbSNP rs768716432, ClinGen allele CA9802981.